The following is an entry in ClinVar:

NM_001267550.2(TTN):c.51273G>A (p.Arg17091=)

Genes: TTN (titin; minus strand), TTN-AS1 (TTN antisense RNA 1; plus strand). Cytogenetic location: 2q31.2.
Variant type: single nucleotide variant.
Coding change: c.51273G>A on transcript NM_001267550.2 (MANE Select); coding-DNA position 51273, G replaced by A.
Protein change: p.Arg17091=; no amino-acid change (arginine 17091 retained).
Molecular consequence: synonymous variant.
Genome position (GRCh38, 1-based): chr2:178,610,253, C>T on the plus strand (G>A on the coding strand, the complement: TTN is on the minus strand). VCF-style: chr2-178610253-C-T. GRCh37 (hg19) VCF-style: chr2-179474980-C-T.
Other names: c.51273G>A (LRG_391t1); c.46350G>A, p.Arg15450= (NM_001256850.1); c.24078G>A, p.Arg8026= (NM_003319.4); c.43569G>A, p.Arg14523= (NM_133378.4); c.24453G>A, p.Arg8151= (NM_133432.3); c.24654G>A, p.Arg8218= (NM_133437.4).
Identifiers: ClinVar variation 195708 (VCV000195708.22), dbSNP rs532589236, ClinGen allele CA201914.

ClinVar aggregate classification (germline): Conflicting classifications of pathogenicity. Review status: criteria provided, conflicting classifications (1 of 4 stars). 13 submissions from 9 submitters: Uncertain significance (3); Benign (3); Likely benign (6). 1 of the submissions does not count toward it. Last evaluated 2026-04-01.

Conditions:
TTN-related disorder. Also called: TTN-related condition; TTN-related disease; TTN-related disorders.
Cardiovascular phenotype. Identifiers: MedGen CN230736.
Autosomal recessive limb-girdle muscular dystrophy type 2J (LGMDR10). Also called: Limb-girdle muscular dystrophy, type 2J; MUSCULAR DYSTROPHY, LIMB-GIRDLE, AUTOSOMAL RECESSIVE 10. Identifiers: Orphanet 140922, MedGen C1837342, MONDO:0012127, OMIM 608807.
Dilated cardiomyopathy 1G (CMD1G). Identifiers: Orphanet 154, MedGen C1858763, MONDO:0011400, OMIM 604145.
Early-onset myopathy with fatal cardiomyopathy (CMYO5). Also called: Salih Myopathy; CONGENITAL MYOPATHY 5 WITH CARDIOMYOPATHY. Identifiers: Orphanet 289377, MedGen C2673677, MONDO:0012714, OMIM 611705. Disease mechanism: loss of function.
Tibial muscular dystrophy (TMD). Also called: Tibial muscular dystrophy, tardive; UDD MYOPATHY; Udd Distal Myopathy – Tibial Muscular Dystrophy. Identifiers: Orphanet 609, MedGen C1838244, MONDO:0010870, OMIM 600334.
Myopathy, myofibrillar, 9, with early respiratory failure (MFM9). Also called: EDSTROM MYOPATHY; MYOPATHY, PROXIMAL, WITH EARLY RESPIRATORY MUSCLE INVOLVEMENT; Myopathy, distal, with early respiratory failure, autosomal dominant; Hereditary myopathy with early respiratory failure. Identifiers: Orphanet 178464, Orphanet 34521, MedGen C1863599, MONDO:0011362, OMIM 603689.

Allele frequency attached by ClinVar (database versions not stated): gnomAD below 0.00001 and 0.00009; gnomAD exomes 0.00010 and 0.00022; ExAC 0.00020; 1000 Genomes Project 30x 0.00078; 1000 Genomes Project 0.00080.
gnomAD v4.1: 150 of 1,613,024 alleles (0.0093%); highest among the groups gnomAD compares: South Asian, 0.16%; 2 homozygotes.

Submissions (13):

CeGaT Center for Human Genetics Tuebingen
Classification: Likely benign. Last evaluated: 2026-04-01. Review status: criteria provided, single submitter. Criteria: CeGaT Center For Human Genetics Tuebingen Variant Classification Criteria Version 2. Collection method: clinical testing. Allele origin: germline. Affected: yes. Observed: 1 variant allele.
Comment: TTN: BP4, BP7

Labcorp Genetics (formerly Invitae), Labcorp
Classification: Likely benign for Dilated cardiomyopathy 1G; Autosomal recessive limb-girdle muscular dystrophy type 2J. Last evaluated: 2026-01-24. Review status: criteria provided, single submitter. Criteria: Invitae Variant Classification Sherloc (09022015). Collection method: clinical testing. Allele origin: germline.

Women's Health and Genetics/Laboratory Corporation of America, LabCorp
Classification: Likely benign. Last evaluated: 2025-03-03. Review status: criteria provided, single submitter. Criteria: LabCorp Variant Classification Summary - May 2015. Collection method: clinical testing. Allele origin: germline.

Ambry Genetics
Classification: Likely benign for Cardiovascular phenotype. Last evaluated: 2023-10-16. Review status: criteria provided, single submitter. Criteria: Ambry Variant Classification Scheme 2023. Collection method: clinical testing. Allele origin: germline.

GeneDx
Classification: Likely benign. Last evaluated: 2018-03-09. Review status: criteria provided, single submitter. Criteria: GeneDx Variant Classification (06012015). Collection method: clinical testing. Allele origin: germline. Affected: yes.
Comment: This variant is considered likely benign or benign based on one or more of the following criteria: it is a conservative change, it occurs at a poorly conserved position in the protein, it is predicted to be benign by multiple in silico algorithms, and/or has population frequency not consistent with disease.

Illumina Laboratory Services, Illumina
Classification: Uncertain significance for Autosomal recessive limb-girdle muscular dystrophy type 2J. Last evaluated: 2018-01-13. Review status: criteria provided, single submitter. Criteria: ICSL Variant Classification Criteria 13 December 2019. Collection method: clinical testing. Allele origin: germline.

Illumina Laboratory Services, Illumina
Classification: Benign for Myopathy, myofibrillar, 9, with early respiratory failure. Last evaluated: 2018-01-13. Review status: criteria provided, single submitter. Criteria: ICSL Variant Classification Criteria 13 December 2019. Collection method: clinical testing. Allele origin: germline.
Comment: This variant was observed in the ICSL laboratory as part of a predisposition screen in an ostensibly healthy population. It had not been previously curated by ICSL or reported in the Human Gene Mutation Database (HGMD: prior to June 1st, 2018), and was therefore a candidate for classification through an automated scoring system. Utilizing variant allele frequency, disease prevalence and penetrance estimates, and inheritance mode, an automated score was calculated to assess if this variant is too frequent to cause the disease. Based on the score and internal cut-off values, a variant classified as benign is not then subjected to further curation. The score for this variant resulted in a classification of benign for this disease.

Illumina Laboratory Services, Illumina
Classification: Uncertain significance for Dilated cardiomyopathy 1G. Last evaluated: 2018-01-13. Review status: criteria provided, single submitter. Criteria: ICSL Variant Classification Criteria 13 December 2019. Collection method: clinical testing. Allele origin: germline.

Illumina Laboratory Services, Illumina
Classification: Benign for Tibial muscular dystrophy. Last evaluated: 2018-01-13. Review status: criteria provided, single submitter. Criteria: ICSL Variant Classification Criteria 13 December 2019. Collection method: clinical testing. Allele origin: germline.
Comment: the same text as in the submission from Illumina Laboratory Services, Illumina above.

Illumina Laboratory Services, Illumina
Classification: Uncertain significance for Early-onset myopathy with fatal cardiomyopathy. Last evaluated: 2018-01-13. Review status: criteria provided, single submitter. Criteria: ICSL Variant Classification Criteria 13 December 2019. Collection method: clinical testing. Allele origin: germline.

Athena Diagnostics
Classification: Benign. Last evaluated: 2016-09-23. Review status: criteria provided, single submitter. Criteria: Athena Diagnostics Criteria. Collection method: clinical testing. Allele origin: germline.

Eurofins Ntd Llc (ga)
Classification: Likely benign. Last evaluated: 2015-05-19. Review status: criteria provided, single submitter. Criteria: EGL Classification Definitions 2015. Collection method: clinical testing. Allele origin: germline. Observed: 1 variant allele, 1 heterozygote.

PreventionGenetics, part of Exact Sciences
Classification: Likely benign for TTN-related condition. Last evaluated: 2024-07-23. Review status: no assertion criteria provided. Collection method: clinical testing. Allele origin: germline. Not counted in ClinVar's aggregate classification.
Comment: This variant is classified as likely benign based on ACMG/AMP sequence variant interpretation guidelines (Richards et al. 2015 PMID: 25741868, with internal and published modifications).